The following is an entry in ClinVar:

ClinVar aggregate classification (germline): Uncertain significance. Review status: criteria provided, multiple submitters, no conflicts (2 of 4 stars). 2 submissions from 2 submitters: Uncertain significance (2). Last evaluated 2025-01-29.

Conditions:
Intestinal obstruction in the newborn due to guanylate cyclase 2C deficiency. Identifiers: Orphanet 314376, MedGen C4518781, MONDO:0013843, OMIM 614665.

Allele frequency attached by ClinVar (database versions not stated): ExAC 0.00001.
gnomAD v4.1: 2 of 1,610,390 alleles (0.00012%); highest among the groups gnomAD compares: Non-Finnish European, 0.00017%; no homozygotes.

Submissions (2):

Labcorp Genetics (formerly Invitae), Labcorp
Classification: Uncertain significance. Last evaluated: 2025-01-29. Review status: criteria provided, single submitter. Criteria: Invitae Variant Classification Sherloc (09022015). Collection method: clinical testing. Allele origin: germline.
Comment: This sequence change replaces glutamic acid, which is acidic and polar, with lysine, which is basic and polar, at codon 1017 of the GUCY2C protein (p.Glu1017Lys). This variant is present in population databases (rs760187529, gnomAD 0.0009%). This variant has not been reported in the literature in individuals affected with GUCY2C-related conditions. ClinVar contains an entry for this variant (Variation ID: 3068064). An algorithm developed to predict the effect of missense changes on protein structure and function (PolyPhen-2) suggests that this variant is likely to be disruptive. In summary, the available evidence is currently insufficient to determine the role of this variant in disease. Therefore, it has been classified as a Variant of Uncertain Significance.

Genomic Medicine Center of Excellence, King Faisal Specialist Hospital and Research Centre
Classification: Uncertain significance for Intestinal obstruction in the newborn due to guanylate cyclase 2C deficiency. Last evaluated: 2024-04-04. Review status: criteria provided, single submitter. Criteria: ACMG Guidelines, 2015. Collection method: clinical testing. Allele origin: germline.

NM_004963.4(GUCY2C):c.3049G>A (p.Glu1017Lys)

Genes: GUCY2C (guanylate cyclase 2C; minus strand), PLBD1-AS1 (PLBD1 antisense RNA 1; plus strand). Cytogenetic location: 12p12.3.
Variant type: single nucleotide variant.
Coding change: c.3049G>A on transcript NM_004963.4 (MANE Select); coding-DNA position 3049, G replaced by A.
Protein change: p.Glu1017Lys; replaces glutamic acid 1017 with lysine.
Molecular consequence: missense variant.
Genome position (GRCh38, 1-based): chr12:14,613,290, C>T on the plus strand (G>A on the coding strand, the complement: GUCY2C is on the minus strand). VCF-style: chr12-14613290-C-T. GRCh37 (hg19) VCF-style: chr12-14766224-C-T.
Other names: short protein forms E1017K.
Identifiers: ClinVar variation 3068064 (VCV003068064.3), dbSNP rs760187529, ClinGen allele CA6462880.
Genomic context (GRCh38, chr12:14,613,290, plus strand): 5'-TTTTCTGTAAAGAGTTGGCAATCATGTCTGAAAATTCTGCTTGCAAACGCTGTTGATTCT[C>T]CCTGGAAACAGAGTGGGAAGAGAAAATAGAACTTCTCAGCAATTCATACAGAATATTCCT-3'
Protein context (NP_004954.2, residues 1007-1027): KFNLPTPPTV[Glu1017Lys]NQQRLQAEFS